The following is an entry in ClinVar:

NM_017934.7(PHIP):c.3696G>C (p.Glu1232Asp)

Genes: IRAK1BP1 (interleukin 1 receptor associated kinase 1 binding protein 1; plus strand), PHIP (PHIP subunit of CUL4-Ring ligase complex; minus strand). Cytogenetic location: 6q14.1.
Variant type: single nucleotide variant.
Coding change: c.3696G>C on transcript NM_017934.7 (MANE Select); coding-DNA position 3696, G replaced by C.
Protein change: p.Glu1232Asp; replaces glutamic acid 1232 with aspartic acid.
Molecular consequence: missense variant.
Genome position (GRCh38, 1-based): chr6:78,958,561, C>G on the plus strand (G>C on the coding strand, the complement: PHIP is on the minus strand). VCF-style: chr6-78958561-C-G. GRCh37 (hg19) VCF-style: chr6-79668278-C-G.
Other names: short protein forms E1232D.
Identifiers: ClinVar variation 4746733 (VCV004746733.1).

ClinVar aggregate classification (germline): Uncertain significance (1 of 4 stars; one submission).

Submission:

Labcorp Genetics (formerly Invitae), Labcorp
Classification: Uncertain significance. Last evaluated: 2025-11-13. Review status: criteria provided, single submitter. Criteria: Invitae Variant Classification Sherloc (09022015). Collection method: clinical testing. Allele origin: germline.
Comment: This sequence change replaces glutamic acid, which is acidic and polar, with aspartic acid, which is acidic and polar, at codon 1232 of the PHIP protein (p.Glu1232Asp). This variant is not present in population databases (gnomAD no frequency). This variant has not been reported in the literature in individuals affected with PHIP-related conditions. Invitae Evidence Modeling of protein sequence and biophysical properties (such as structural, functional, and spatial information, amino acid conservation, physicochemical variation, residue mobility, and thermodynamic stability) has been performed for this missense variant. However, the output from this modeling did not meet the statistical confidence thresholds required to predict the impact of this variant on PHIP protein function. In summary, the available evidence is currently insufficient to determine the role of this variant in disease. Therefore, it has been classified as a Variant of Uncertain Significance.